The following is an entry in ClinVar:

NM_032193.4(RNASEH2C):c.289G>A (p.Asp97Asn)

Gene: RNASEH2C (ribonuclease H2 subunit C; minus strand). Cytogenetic location: 11q13.1.
Variant type: single nucleotide variant.
Coding change: c.289G>A on transcript NM_032193.4 (MANE Select); coding-DNA position 289, G replaced by A.
Protein change: p.Asp97Asn; replaces aspartic acid 97 with asparagine.
Molecular consequence: missense variant.
Genome position (GRCh38, 1-based): chr11:65,720,301, C>T on the plus strand (G>A on the coding strand, the complement: RNASEH2C is on the minus strand). VCF-style: chr11-65720301-C-T. GRCh37 (hg19) VCF-style: chr11-65487772-C-T.
Other names: short protein forms D97N.
Identifiers: ClinVar variation 1389299 (VCV001389299.5), dbSNP rs771160923, ClinGen allele CA381298751.

ClinVar aggregate classification (germline): Uncertain significance (1 of 4 stars; one submission).

Conditions:
Aicardi-Goutieres syndrome 3. Identifiers: Orphanet 51, MedGen C1835916, MONDO:0012471, OMIM 610329.

Allele frequency attached by ClinVar (database versions not stated): TOPMed below 0.00001.
gnomAD v4.1: 24 of 1,614,222 alleles (0.0015%); highest among the groups gnomAD compares: Non-Finnish European, 0.0019%; no homozygotes.

Submission:

Labcorp Genetics (formerly Invitae), Labcorp
Classification: Uncertain significance for Aicardi-Goutieres syndrome 3. Last evaluated: 2022-02-05. Review status: criteria provided, single submitter. Criteria: Invitae Variant Classification Sherloc (09022015). Collection method: clinical testing. Allele origin: germline.
Comment: This sequence change replaces aspartic acid, which is acidic and polar, with asparagine, which is neutral and polar, at codon 97 of the RNASEH2C protein (p.Asp97Asn). This variant is present in population databases (no rsID available, gnomAD no frequency). This variant has not been reported in the literature in individuals affected with RNASEH2C-related conditions. Algorithms developed to predict the effect of missense changes on protein structure and function output the following: SIFT: "Tolerated"; PolyPhen-2: "Benign"; Align-GVGD: "Class C0". The asparagine amino acid residue is found in multiple mammalian species, which suggests that this missense change does not adversely affect protein function. In summary, the available evidence is currently insufficient to determine the role of this variant in disease. Therefore, it has been classified as a Variant of Uncertain Significance.